The following is an entry in ClinVar:

ClinVar aggregate classification (germline): Likely benign. Review status: criteria provided, multiple submitters, no conflicts (2 of 4 stars). 3 submissions from 3 submitters: Likely benign (3). Last evaluated 2025-04-19.

Conditions:
TNC-related disorder. Also called: TNC-related condition.

Allele frequency attached by ClinVar (database versions not stated): ExAC 0.00017; gnomAD 0.00044 and 0.00050; ESP Exome Variant Server 0.00046; TOPMed 0.00051.
gnomAD v4.1: 149 of 1,613,994 alleles (0.0092%); highest among the groups gnomAD compares: African/African-American, 0.14%; no homozygotes.

Submissions (3):

PreventionGenetics, part of Exact Sciences
Classification: Likely benign for TNC-related condition. Last evaluated: 2025-04-19. Review status: criteria provided, single submitter. Criteria: ACMG Guidelines, 2015. Collection method: clinical testing. Allele origin: germline.
Comment: This variant is classified as likely benign based on ACMG/AMP sequence variant interpretation guidelines (Richards et al. 2015 PMID: 25741868, with internal and published modifications).

Blueprint Genetics
Classification: Likely benign. Last evaluated: 2024-10-18. Review status: criteria provided, single submitter. Criteria: ACMG Guidelines, 2015. Collection method: clinical testing. Allele origin: germline.

GeneDx
Classification: Likely benign. Last evaluated: 2021-01-12. Review status: criteria provided, single submitter. Criteria: GeneDx Variant Classification Process June 2021. Collection method: clinical testing. Allele origin: germline. Affected: yes.

NM_002160.4(TNC):c.1539C>T (p.Asp513=)

Gene: TNC (tenascin C; minus strand). Cytogenetic location: 9q33.1.
Variant type: single nucleotide variant.
Coding change: c.1539C>T on transcript NM_002160.4 (MANE Select); coding-DNA position 1539, C replaced by T.
Protein change: p.Asp513=; no amino-acid change (aspartic acid 513 retained).
Molecular consequence: synonymous variant.
Genome position (GRCh38, 1-based): chr9:115,086,192, G>A on the plus strand (C>T on the coding strand, the complement: TNC is on the minus strand). VCF-style: chr9-115086192-G-A. GRCh37 (hg19) VCF-style: chr9-117848471-G-A.
Identifiers: ClinVar variation 1316551 (VCV001316551.4), dbSNP rs112399292, ClinGen allele CA5208791.